The following is an entry in ClinVar:

NM_001378030.1(CCDC78):c.556C>T (p.Arg186Cys)

Gene: CCDC78 (coiled-coil domain containing 78; minus strand). Cytogenetic location: 16p13.3.
Variant type: single nucleotide variant.
Coding change: c.556C>T on transcript NM_001378030.1 (MANE Select); coding-DNA position 556, C replaced by T.
Protein change: p.Arg186Cys; replaces arginine 186 with cysteine.
Molecular consequence: missense variant. On other transcripts: non-coding transcript variant (5).
Genome position (GRCh38, 1-based): chr16:725,082, G>A on the plus strand (C>T on the coding strand, the complement: CCDC78 is on the minus strand). VCF-style: chr16-725082-G-A. GRCh37 (hg19) VCF-style: chr16-775082-G-A.
Other names: NC_000016.9:g.775082G>A; c.556C>T, p.Arg186Cys (NM_001031737.3, NM_001378031.1); c.194C>T, p.Ala65Val (NM_001378033.1); short protein forms A65V, R186C.
Identifiers: ClinVar variation 4415735 (VCV004415735.2).

ClinVar aggregate classification (germline): Uncertain significance (1 of 4 stars; one submission).

Conditions:
Congenital myopathy with internal nuclei and atypical cores. Also called: Myopathy, centronuclear, 4. Identifiers: Orphanet 319160, MedGen C4707232, MONDO:0013890, OMIM 614807.

Submissions (2):

Labcorp Genetics (formerly Invitae), Labcorp
Classification: Uncertain significance for Congenital myopathy with internal nuclei and atypical cores. Last evaluated: 2025-09-16. Review status: criteria provided, single submitter. Criteria: Invitae Variant Classification Sherloc (09022015). Collection method: clinical testing. Allele origin: germline.
Comment: This sequence change replaces arginine, which is basic and polar, with cysteine, which is neutral and slightly polar, at codon 186 of the CCDC78 protein (p.Arg186Cys). The frequency data for this variant in the population databases is considered unreliable, as metrics indicate poor data quality at this position in the gnomAD database. This variant has not been reported in the literature in individuals affected with CCDC78-related conditions. Invitae Evidence Modeling of protein sequence and biophysical properties (such as structural, functional, and spatial information, amino acid conservation, physicochemical variation, residue mobility, and thermodynamic stability) indicates that this missense variant is not expected to disrupt CCDC78 protein function with a negative predictive value of 80%. In summary, the available evidence is currently insufficient to determine the role of this variant in disease. Therefore, it has been classified as a Variant of Uncertain Significance.

Dr. Peter K. Rogan Lab, Western University
No classification provided (evidence only). Condition: Cervical cancer. Review status: no classification provided. Collection method: in vitro. Allele origin: not applicable. Functional consequence: retained intron. Not counted in ClinVar's aggregate classification.